The following is an entry in ClinVar:

ClinVar aggregate classification (germline): Uncertain significance (1 of 4 stars; one submission).

Submission:

Ambry Genetics
Classification: Uncertain significance. Last evaluated: 2026-02-16. Review status: criteria provided, single submitter. Criteria: Ambry Variant Classification Scheme 2023. Collection method: clinical testing. Allele origin: germline.
Comment: The p.K372Q variant (also known as c.1114A>C), located in coding exon 2 of the CDK12 gene, results from an A to C substitution at nucleotide position 1114. The lysine at codon 372 is replaced by glutamine, an amino acid with similar properties. This amino acid position is conserved. In addition, this alteration is predicted to be tolerated by in silico analysis. Based on the available evidence, the clinical significance of this variant remains unclear.

NM_016507.4(CDK12):c.1114A>C (p.Lys372Gln)

Gene: CDK12 (cyclin dependent kinase 12; plus strand). Cytogenetic location: 17q12.
Variant type: single nucleotide variant.
Coding change: c.1114A>C on transcript NM_016507.4 (MANE Select); coding-DNA position 1114, A replaced by C.
Protein change: p.Lys372Gln; replaces lysine 372 with glutamine.
Molecular consequence: missense variant.
Genome position (GRCh38, 1-based): chr17:39,470,946, A>C. VCF-style: chr17-39470946-A-C. GRCh37 (hg19) VCF-style: chr17-37627199-A-C.
Other names: c.1114A>C, p.Lys372Gln (NM_015083.4); short protein forms K372Q.
Identifiers: ClinVar variation 4844503 (VCV004844503.1).